The following is an entry in ClinVar:

NM_001211.6(BUB1B):c.2250G>C (p.Met750Ile)

Gene: BUB1B (BUB1 mitotic checkpoint serine/threonine kinase B; plus strand). Cytogenetic location: 15q15.1.
Variant type: single nucleotide variant.
Coding change: c.2250G>C on transcript NM_001211.6 (MANE Select); coding-DNA position 2250, G replaced by C.
Protein change: p.Met750Ile; replaces methionine 750 with isoleucine.
Molecular consequence: missense variant.
Genome position (GRCh38, 1-based): chr15:40,209,741, G>C. VCF-style: chr15-40209741-G-C. GRCh37 (hg19) VCF-style: chr15-40501942-G-C.
Other names: short protein forms M750I.
Identifiers: ClinVar variation 1788424 (VCV001788424.2), dbSNP rs1407190533, ClinGen allele CA391694531.

ClinVar aggregate classification (germline): Uncertain significance (1 of 4 stars; one submission).

Conditions:
Inborn genetic diseases. Identifiers: MedGen C0950123, MeSH D030342.

Allele frequency attached by ClinVar (database versions not stated): gnomAD exomes below 0.00001; TOPMed 0.00001; gnomAD 0.00002.

Submission:

Ambry Genetics
Classification: Uncertain significance for Inborn genetic diseases. Last evaluated: 2022-03-16. Review status: criteria provided, single submitter. Criteria: Ambry Variant Classification Scheme 2023. Collection method: clinical testing. Allele origin: germline.
Comment: The p.M750I variant (also known as c.2250G>C), located in coding exon 17 of the BUB1B gene, results from a G to C substitution at nucleotide position 2250. The methionine at codon 750 is replaced by isoleucine, an amino acid with highly similar properties. This amino acid position is conserved. In addition, this alteration is predicted to be tolerated by in silico analysis. Since supporting evidence is limited at this time, the clinical significance of this alteration remains unclear.